The following is an entry in ClinVar:

ClinVar aggregate classification (germline): Uncertain significance (1 of 4 stars; one submission).

Allele frequency attached by ClinVar (database versions not stated): gnomAD exomes below 0.00001; TOPMed 0.00001.
gnomAD v4.1: 2 of 1,610,204 alleles (0.00012%); highest among the groups gnomAD compares: African/African-American, 0.0027%; no homozygotes.

Submission:

GeneDx
Classification: Uncertain significance. Last evaluated: 2014-02-12. Review status: criteria provided, single submitter. Criteria: GeneDx Variant Classification (06012015). Collection method: clinical testing. Allele origin: germline. Affected: yes.
Comment: Missense variants in the TTN gene are considered 'unclassified' if they are not previously reported in the literature and do not have >1% frequency in the population to be considered a polymorphism. Research indicates that truncating mutations in the TTN gene are expected to account for approximately 25% of familial and 18% of sporadic idiopathic DCM; however, truncating variants in the TTN gene have been reported in approximately 3% of reported control alleles. There has been little investigation into non-truncating variants. (Herman D et al. Truncations of titin causing dilated cardiomyopathy. N Eng J Med 366:619-628, 2012) The variant is found in DCM-CRDM panel(s).

NM_001267550.2(TTN):c.51768C>A (p.Ser17256Arg)

Genes: TTN (titin; minus strand), TTN-AS1 (TTN antisense RNA 1; plus strand). Cytogenetic location: 2q31.2.
Variant type: single nucleotide variant.
Coding change: c.51768C>A on transcript NM_001267550.2 (MANE Select); coding-DNA position 51768, C replaced by A.
Protein change: p.Ser17256Arg; replaces serine 17256 with arginine.
Molecular consequence: missense variant.
Genome position (GRCh38, 1-based): chr2:178,609,542, G>T on the plus strand (C>A on the coding strand, the complement: TTN is on the minus strand). VCF-style: chr2-178609542-G-T. GRCh37 (hg19) VCF-style: chr2-179474269-G-T.
Other names: p.S15615R:AGC>AGA; c.46845C>A, p.Ser15615Arg (NM_001256850.1); c.24573C>A, p.Ser8191Arg (NM_003319.4); c.44064C>A, p.Ser14688Arg (NM_133378.4); c.24948C>A, p.Ser8316Arg (NM_133432.3); c.25149C>A, p.Ser8383Arg (NM_133437.4); short protein forms S15615R, S17256R, S14688R, S8191R, S8383R, S8316R.
Identifiers: ClinVar variation 202696 (VCV000202696.2), dbSNP rs794729454, ClinGen allele CA310010.